The following is an entry in ClinVar:

ClinVar aggregate classification (germline): Likely benign. Review status: criteria provided, multiple submitters, no conflicts (2 of 4 stars). 2 submissions from 2 submitters: Likely benign (2). Last evaluated 2025-07-01.

Conditions:
RP1L1-related disorder. Also called: RP1L1-related condition.
Inborn genetic diseases. Identifiers: MedGen C0950123, MeSH D030342.

gnomAD v4.1: 20 of 1,612,798 alleles (0.0012%); highest among the groups gnomAD compares: African/African-American, 0.0053%; no homozygotes.

Submissions (2):

PreventionGenetics, part of Exact Sciences
Classification: Likely benign for RP1L1-related condition. Last evaluated: 2025-07-01. Review status: criteria provided, single submitter. Criteria: ACMG Guidelines, 2015. Collection method: clinical testing. Allele origin: germline.
Comment: This variant is classified as likely benign based on ACMG/AMP sequence variant interpretation guidelines (Richards et al. 2015 PMID: 25741868, with internal and published modifications).

Ambry Genetics
Classification: Likely benign for Inborn genetic diseases. Last evaluated: 2025-04-06. Review status: criteria provided, single submitter. Criteria: Ambry Variant Classification Scheme 2023. Collection method: clinical testing. Allele origin: germline.

NM_178857.6(RP1L1):c.2874C>T (p.Arg958=)

Gene: RP1L1 (RP1 like 1). Cytogenetic location: 8p23.1.
Variant type: single nucleotide variant.
Coding change: c.2874C>T on transcript NM_178857.6 (MANE Select); coding-DNA position 2874, C replaced by T.
Protein change: p.Arg958=; no amino-acid change (arginine 958 retained).
Molecular consequence: synonymous variant.
Genome position (GRCh38, 1-based): chr8:10,611,224, G>A on the plus strand (C>T on the coding strand, the complement: RP1L1 is on the minus strand). VCF-style: chr8-10611224-G-A. GRCh37 (hg19) VCF-style: chr8-10468734-G-A.
Identifiers: ClinVar variation 3947280 (VCV003947280.2).
Genomic context (GRCh38, chr8:10,611,224, plus strand): 5'-CTCGTCCGCCAACTCATATGTCATGAGTATGGGCTCTTCTGGAATGTTGTCCAGCCATTC[G>A]CGGACCACAGCCTCTGGAGACGAGCGGGGCAGAGAGCTGGGTGACACACCACTGGCCTCC-3'
Protein context (NP_849188.4, residues 948-968): LPRSSPEAVV[Arg958=]EWLDNIPEEP